The following is an entry in ClinVar:

ClinVar aggregate classification (germline): Likely benign (0 of 4 stars; one submission).

Conditions:
NRP2-related disorder. Also called: NRP2-related condition.

Allele frequency attached by ClinVar (database versions not stated): ESP Exome Variant Server 0.00008; TOPMed 0.00011; gnomAD 0.00015.
gnomAD v4.1: 100 of 1,613,982 alleles (0.0062%); highest among the groups gnomAD compares: Middle Eastern, 0.033%; no homozygotes.

Submission:

PreventionGenetics, part of Exact Sciences
Classification: Likely benign for NRP2-related condition. Last evaluated: 2022-12-28. Review status: no assertion criteria provided. Collection method: clinical testing. Allele origin: germline.
Comment: This variant is classified as likely benign based on ACMG/AMP sequence variant interpretation guidelines (Richards et al. 2015 PMID: 25741868, with internal and published modifications).

NM_003872.3(NRP2):c.2477-5C>T

Gene: NRP2 (neuropilin 2; plus strand). Cytogenetic location: 2q33.3.
Variant type: single nucleotide variant.
Coding change: c.2477-5C>T on transcript NM_003872.3 (MANE Select); 5 bases into the intron before coding-DNA position 2477, C replaced by T.
Molecular consequence: intron variant.
Genome position (GRCh38, 1-based): chr2:205,794,749, C>T. VCF-style: chr2-205794749-C-T. GRCh37 (hg19) VCF-style: chr2-206659473-C-T.
Other names: c.2492-5C>T (NM_201266.2); c.2426-5C>T (NM_201279.2).
Identifiers: ClinVar variation 3036903 (VCV003036903.2), dbSNP rs367714598, ClinGen allele CA2069591.